The following is an entry in ClinVar:

NM_003560.4(PLA2G6):c.2035-1G>A

Gene: PLA2G6 (phospholipase A2 group VI; minus strand). Cytogenetic location: 22q13.1.
Variant type: single nucleotide variant.
Coding change: c.2035-1G>A on transcript NM_003560.4 (MANE Select); the canonical splice acceptor site of the intron before coding-DNA position 2035, G replaced by A.
Molecular consequence: splice acceptor variant.
Genome position (GRCh38, 1-based): chr22:38,113,655, C>T on the plus strand (G>A on the coding strand, the complement: PLA2G6 is on the minus strand). VCF-style: chr22-38113655-C-T. GRCh37 (hg19) VCF-style: chr22-38509662-C-T.
Other names: c.1357-1G>A (NM_001349868.2); c.1873-1G>A (NM_001349866.2, NM_001199562.3, NM_001349865.2 and 1 more transcripts); c.1339-1G>A (NM_001349869.2); c.1501-1G>A (NM_001349867.2); c.2035-1G>A (NM_001349864.2).
Identifiers: ClinVar variation 2752717 (VCV002752717.3), dbSNP rs2517918137, ClinGen allele CA411524160.

ClinVar aggregate classification (germline): Likely pathogenic (1 of 4 stars; one submission).

Conditions:
Infantile neuroaxonal dystrophy (NBIA2A). Also called: NEURODEGENERATION WITH BRAIN IRON ACCUMULATION 2A; SEITELBERGER DISEASE; Infantile neuroaxonal dystrophy 1. Identifiers: Orphanet 35069, MedGen C0270724, MONDO:0024457, OMIM 256600.

Submission:

Labcorp Genetics (formerly Invitae), Labcorp
Classification: Likely pathogenic for Infantile neuroaxonal dystrophy. Last evaluated: 2023-08-16. Review status: criteria provided, single submitter. Criteria: Invitae Variant Classification Sherloc (09022015). Collection method: clinical testing. Allele origin: germline.
Comment: This variant has not been reported in the literature in individuals affected with PLA2G6-related conditions. In summary, the currently available evidence indicates that the variant is pathogenic, but additional data are needed to prove that conclusively. Therefore, this variant has been classified as Likely Pathogenic. Algorithms developed to predict the effect of sequence changes on RNA splicing suggest that this variant may disrupt the consensus splice site. This variant is not present in population databases (gnomAD no frequency). This sequence change affects an acceptor splice site in intron 14 of the PLA2G6 gene. It is expected to disrupt RNA splicing. Variants that disrupt the donor or acceptor splice site typically lead to a loss of protein function (PMID: 16199547), and loss-of-function variants in PLA2G6 are known to be pathogenic (PMID: 16783378, 18570303, 18799783, 22213678).

Literature cited by the submitters: PubMed 16199547; PubMed 16783378; PubMed 18570303; PubMed 18799783; PubMed 22213678.